The following is an entry in ClinVar:

NM_021871.4(FGA):c.1718G>T (p.Arg573Leu)

Gene: FGA (fibrinogen alpha chain; minus strand). Cytogenetic location: 4q31.3.
Variant type: single nucleotide variant.
Coding change: c.1718G>T on transcript NM_021871.4 (MANE Select); coding-DNA position 1718, G replaced by T.
Protein change: p.Arg573Leu; replaces arginine 573 with leucine.
Molecular consequence: missense variant.
Genome position (GRCh38, 1-based): chr4:154,585,711, C>A on the plus strand (G>T on the coding strand, the complement: FGA is on the minus strand). VCF-style: chr4-154585711-C-A. GRCh37 (hg19) VCF-style: chr4-155506863-C-A.
Other names: R554L; c.1718G>T, p.Arg573Leu (LRG_557t1, NM_000508.5); c.1718G>T (NM_000508.4); short protein forms R573L.
Identifiers: ClinVar variation 16408 (VCV000016408.5), dbSNP rs78506343, ClinGen allele CA126489.

ClinVar aggregate classification (germline): Conflicting classifications of pathogenicity. Review status: criteria provided, conflicting classifications (1 of 4 stars). 3 submissions from 3 submitters: Likely pathogenic (1); Uncertain significance (1). 1 of the submissions does not count toward it. Last evaluated 2023-02-07.

Conditions:
FGA-related disorder. Also called: FGA-related condition; FGA-related disorders.
Familial visceral amyloidosis, Ostertag type (AMYLD2). Also called: Ostertag type amyloidosis; Familial visceral amyloidosis; Amyloidosis, hepatic and systemic; AMYLOIDOSIS, HEREDITARY SYSTEMIC 2; Hereditary Renal Amyloidosis; AMYLOIDOSIS VIII. Identifiers: Orphanet 85450, MedGen C0268389, MONDO:0007099, OMIM 105200.

gnomAD v4.1: 1 of 1,614,120 alleles (0.000062%); highest among the groups gnomAD compares: Non-Finnish European, 0.000085%; no homozygotes.

Submissions (3):

PreventionGenetics, part of Exact Sciences
Classification: Likely pathogenic for FGA-related condition. Last evaluated: 2023-02-07. Review status: criteria provided, single submitter. Criteria: ACMG Guidelines, 2015. Collection method: clinical testing. Allele origin: germline.
Comment: The FGA c.1718G>T variant is predicted to result in the amino acid substitution p.Arg573Leu. This variant is also described using legacy nomenclature as p.Arg554Leu, has been reported in the heterozygous state in multiple individuals with renal amyloidosis (Benson et al. 1993. PubMed ID: 8097946; Hamidi et al. 1998. PubMed ID: 10036586; Haidinger et al. 2013. PubMed ID: 23551149; Meyer et al. 2020. PubMed ID: 32660897). This variant has not been reported in a large population database, indicating this variant is rare. This variant is interpreted as likely pathogenic.

GeneDx
Classification: Uncertain significance. Last evaluated: 2019-07-26. Review status: criteria provided, single submitter. Criteria: GeneDx Variant Classification Process June 2021. Collection method: clinical testing. Allele origin: germline. Affected: yes.
Comment: Also denoted as R554 due to alternative nomenclature; Identified as heterozygous in multiple individuals with fibrinogen amyloidosis (Benson et al., 1993; Gillmore et al., 2009; Stangou et al., 2010; Haidinger et al., 2013); Published functional studies suggest a damaging effect as the protein fragment harboring the variant converts to globular, beta-sheet rich aggregates that shows amyloid-like properties (Sivalingam and Patel, 2016); In silico analysis, which includes protein predictors and evolutionary conservation, supports that this variant does not alter protein structure/function; This variant is associated with the following publications: (PMID: 9818055, 27126074, 8097946, 23551149, 19633201, 19073821, 10036586)

OMIM
Classification: Pathogenic for AMYLOIDOSIS, HEREDITARY SYSTEMIC 2. Last evaluated: 1993-03-01. Review status: no assertion criteria provided. Collection method: literature only. Allele origin: germline. Not counted in ClinVar's aggregate classification.

Literature cited by the submitters: PubMed 8097946 (cited by OMIM).